The following is an entry in ClinVar:

ClinVar aggregate classification (germline): Uncertain significance (1 of 4 stars; one submission).

Allele frequency attached by ClinVar (database versions not stated): gnomAD 0.00003; TOPMed 0.00006; gnomAD exomes 0.00007; ESP Exome Variant Server 0.00008; ExAC 0.00020.
gnomAD v4.1: 102 of 1,561,108 alleles (0.0065%); highest among the groups gnomAD compares: Middle Eastern, 0.033%; 1 homozygote.

Submission:

Labcorp Genetics (formerly Invitae), Labcorp
Classification: Uncertain significance. Last evaluated: 2023-11-14. Review status: criteria provided, single submitter. Criteria: Invitae Variant Classification Sherloc (09022015). Collection method: clinical testing. Allele origin: germline.
Comment: This sequence change replaces valine, which is neutral and non-polar, with isoleucine, which is neutral and non-polar, at codon 165 of the SLC9A3 protein (p.Val165Ile). This variant is present in population databases (rs369854335, gnomAD 0.01%). This variant has not been reported in the literature in individuals affected with SLC9A3-related conditions. ClinVar contains an entry for this variant (Variation ID: 1410908). Advanced modeling of protein sequence and biophysical properties (such as structural, functional, and spatial information, amino acid conservation, physicochemical variation, residue mobility, and thermodynamic stability) performed at Invitae indicates that this missense variant is not expected to disrupt SLC9A3 protein function with a negative predictive value of 80%. In summary, the available evidence is currently insufficient to determine the role of this variant in disease. Therefore, it has been classified as a Variant of Uncertain Significance.

NM_004174.4(SLC9A3):c.493G>A (p.Val165Ile)

Gene: SLC9A3 (solute carrier family 9 member A3). Cytogenetic location: 5p15.33.
Variant type: single nucleotide variant.
Coding change: c.493G>A on transcript NM_004174.4 (MANE Select); coding-DNA position 493, G replaced by A.
Protein change: p.Val165Ile; replaces valine 165 with isoleucine.
Molecular consequence: missense variant.
Genome position (GRCh38, 1-based): chr5:491,790, C>T on the plus strand (G>A on the coding strand, the complement: SLC9A3 is on the minus strand). VCF-style: chr5-491790-C-T. GRCh37 (hg19) VCF-style: chr5-491905-C-T.
Other names: c.493G>A, p.Val165Ile (NM_001284351.3); short protein forms V165I.
Identifiers: ClinVar variation 1410908 (VCV001410908.4), dbSNP rs369854335, ClinGen allele CA3176322.